The following is an entry in ClinVar:

ClinVar aggregate classification (germline): Conflicting classifications of pathogenicity. Review status: criteria provided, conflicting classifications (1 of 4 stars). 3 submissions from 2 submitters: Uncertain significance (2); Likely benign (1). Last evaluated 2025-12-22.

Conditions:
Atrichia with papular lesions (APL). Also called: PAPULAR ATRICHIA. Identifiers: Orphanet 86819, MedGen C1859592, MONDO:0008847, OMIM 209500.
Alopecia universalis congenita (ALUNC). Also called: ATRICHIA, GENERALIZED. Identifiers: Orphanet 701, MedGen C1859877, MONDO:0008757, OMIM 203655.

Allele frequency attached by ClinVar (database versions not stated): 1000 Genomes Project 30x 0.00031; TOPMed 0.00035; 1000 Genomes Project 0.00040; gnomAD exomes 0.00040; gnomAD 0.00041; ESP Exome Variant Server 0.00046; ExAC 0.00064.
gnomAD v4.1: 642 of 1,603,666 alleles (0.04%); highest among the groups gnomAD compares: Non-Finnish European, 0.043%; no homozygotes.

Submissions (3):

Labcorp Genetics (formerly Invitae), Labcorp
Classification: Likely benign. Last evaluated: 2025-12-22. Review status: criteria provided, single submitter. Criteria: Invitae Variant Classification Sherloc (09022015). Collection method: clinical testing. Allele origin: germline.

Illumina Laboratory Services, Illumina
Classification: Uncertain significance for Atrichia with papular lesions. Last evaluated: 2017-04-27. Review status: criteria provided, single submitter. Criteria: ICSL Variant Classification Criteria 13 December 2019. Collection method: clinical testing. Allele origin: germline.
Comment: This variant was observed as part of a predisposition screen in an ostensibly healthy population. A literature search was performed for the gene, cDNA change, and amino acid change (where applicable). Publications were found based on this search. However, the evidence from the literature, in combination with allele frequency data from public databases where available, was not sufficient to rule this variant in or out of causing disease. Therefore, this variant is classified as a variant of unknown significance.

Illumina Laboratory Services, Illumina
Classification: Uncertain significance for Alopecia universalis congenita. Last evaluated: 2017-04-27. Review status: criteria provided, single submitter. Criteria: ICSL Variant Classification Criteria 13 December 2019. Collection method: clinical testing. Allele origin: germline.

Literature cited by the submitters: PubMed 17609203 (cited by Illumina Laboratory Services, Illumina); PubMed 20512917 (cited by Illumina Laboratory Services, Illumina); PubMed 11966690 (cited by Illumina Laboratory Services, Illumina); PubMed 20087431 (cited by Illumina Laboratory Services, Illumina).

NM_005144.5(HR):c.1772A>G (p.Glu591Gly)

Gene: HR (HR lysine demethylase and nuclear receptor corepressor; minus strand). Cytogenetic location: 8p21.3.
Variant type: single nucleotide variant.
Coding change: c.1772A>G on transcript NM_005144.5 (MANE Select); coding-DNA position 1772, A replaced by G.
Protein change: p.Glu591Gly; replaces glutamic acid 591 with glycine.
Molecular consequence: missense variant.
Genome position (GRCh38, 1-based): chr8:22,123,792, T>C on the plus strand (A>G on the coding strand, the complement: HR is on the minus strand). VCF-style: chr8-22123792-T-C. GRCh37 (hg19) VCF-style: chr8-21981305-T-C.
Other names: c.1772A>G, p.Glu591Gly (NM_018411.4); short protein forms E591G.
Identifiers: ClinVar variation 910873 (VCV000910873.7), dbSNP rs137912857, ClinGen allele CA4662346.
Genomic context (GRCh38, chr8:22,123,792, plus strand): 5'-TGGGTGTTGAAGAGTCCATGGTGGCAACGGCTGCAGCAGCGTGGAATGCCTGGGCTGTCC[T>C]CTGTCACGGCTGGCCCTTGGCCTGCTGACCACGGAGAGAACAGGGTCAGAGGGTGAAGGC-3'
Protein context (NP_005135.2, residues 581-601): QREGQGPAVT[Glu591Gly]DSPGIPRCCS